The following is an entry in ClinVar:

ClinVar aggregate classification (germline): Conflicting classifications of pathogenicity. Review status: criteria provided, conflicting classifications (1 of 4 stars). 7 submissions from 7 submitters: Uncertain significance (2); Likely benign (4). 1 of the submissions does not count toward it. Last evaluated 2026-01-12.

Conditions:
Inborn genetic diseases. Identifiers: MedGen C0950123, MeSH D030342.
CHD7-related disorder. Also called: CHD7-related condition.
CHARGE syndrome (CHARGE). Also called: CHARGE ASSOCIATION--COLOBOMA, HEART ANOMALY, CHOANAL ATRESIA, RETARDATION, GENITAL AND EAR ANOMALIES; Hittner Hirsch Kreh syndrome; Coloboma, heart anomaly, choanal atresia, retardation, genital and ear anomalies; CHARGE association; Hall-Hittner syndrome. Identifiers: Orphanet 138, MedGen C0265354, MONDO:0008965.

Allele frequency attached by ClinVar (database versions not stated): gnomAD exomes 0.00006 and 0.00002; TOPMed 0.00020; gnomAD 0.00028 and 0.00029; 1000 Genomes Project 0.00060; 1000 Genomes Project 30x 0.00062; ESP Exome Variant Server 0.00008; ExAC 0.00007.
gnomAD v4.1: 80 of 1,613,916 alleles (0.005%); highest among the groups gnomAD compares: African/African-American, 0.097%; no homozygotes.

Submissions (7):

Labcorp Genetics (formerly Invitae), Labcorp
Classification: Likely benign for CHARGE syndrome. Last evaluated: 2026-01-12. Review status: criteria provided, single submitter. Criteria: Invitae Variant Classification Sherloc (09022015). Collection method: clinical testing. Allele origin: germline.

Ambry Genetics
Classification: Likely benign for Inborn genetic diseases. Last evaluated: 2025-01-10. Review status: criteria provided, single submitter. Criteria: Ambry Variant Classification Scheme 2023. Collection method: clinical testing. Allele origin: germline.

Blueprint Genetics
Classification: Likely benign. Last evaluated: 2023-11-20. Review status: criteria provided, single submitter. Criteria: ACMG Guidelines, 2015. Collection method: clinical testing. Allele origin: germline.

New York Genome Center
Classification: Uncertain significance for CHD7-related CHARGE syndrome. Last evaluated: 2021-11-23. Review status: criteria provided, single submitter. Criteria: NYGC Assertion Criteria 2020. Collection method: clinical testing. Allele origin: germline. Observed: 1 heterozygote. Study: CSER-NYCKidSeq.

GeneDx
Classification: Likely benign. Last evaluated: 2020-10-21. Review status: criteria provided, single submitter. Criteria: GeneDx Variant Classification Process June 2021. Collection method: clinical testing. Allele origin: germline. Affected: yes.
Comment: This variant is associated with the following publications: (PMID: 21158681)

Genetic Services Laboratory, University of Chicago
Classification: Uncertain significance for CHARGE syndrome. Last evaluated: 2013-02-08. Review status: criteria provided, single submitter. Criteria: ACMG Guidelines, 2007. Collection method: clinical testing. Allele origin: germline. Inheritance: Autosomal dominant inheritance.

PreventionGenetics, part of Exact Sciences
Classification: Likely benign for CHD7-related condition. Last evaluated: 2023-03-22. Review status: no assertion criteria provided. Collection method: clinical testing. Allele origin: germline. Not counted in ClinVar's aggregate classification.
Comment: This variant is classified as likely benign based on ACMG/AMP sequence variant interpretation guidelines (Richards et al. 2015 PMID: 25741868, with internal and published modifications).

NM_017780.4(CHD7):c.6250A>G (p.Ser2084Gly)

Gene: CHD7 (chromodomain helicase DNA binding protein 7; plus strand). Cytogenetic location: 8q12.2.
Variant type: single nucleotide variant.
Coding change: c.6250A>G on transcript NM_017780.4 (MANE Select); coding-DNA position 6250, A replaced by G.
Protein change: p.Ser2084Gly; replaces serine 2084 with glycine.
Molecular consequence: missense variant. On other transcripts: intron variant (1).
Genome position (GRCh38, 1-based): chr8:60,852,975, A>G. VCF-style: chr8-60852975-A-G. GRCh37 (hg19) VCF-style: chr8-61765534-A-G.
Other names: c.6250A>G (LRG_176t1); c.1717-9254A>G (NM_001316690.1); short protein forms S2084G.
Identifiers: ClinVar variation 158308 (VCV000158308.24), dbSNP rs201083157, ClinGen allele CA271325.